The following is an entry in ClinVar:

ClinVar aggregate classification (germline): Conflicting classifications of pathogenicity. Review status: criteria provided, conflicting classifications (1 of 4 stars). 2 submissions from 2 submitters: Uncertain significance (1); Likely benign (1). Last evaluated 2025-11-18.

Allele frequency attached by ClinVar (database versions not stated): gnomAD 0.00010 and 0.00012; gnomAD exomes 0.00013; ESP Exome Variant Server 0.00015; ExAC 0.00016; TOPMed 0.00017.
gnomAD v4.1: 442 of 1,613,520 alleles (0.027%); highest among the groups gnomAD compares: Non-Finnish European, 0.036%; no homozygotes.

Submissions (2):

Labcorp Genetics (formerly Invitae), Labcorp
Classification: Uncertain significance. Last evaluated: 2025-11-18. Review status: criteria provided, single submitter. Criteria: Invitae Variant Classification Sherloc (09022015). Collection method: clinical testing. Allele origin: germline.
Comment: This sequence change replaces alanine, which is neutral and non-polar, with glycine, which is neutral and non-polar, at codon 475 of the NFKB1 protein (p.Ala475Gly). This variant is present in population databases (rs201777128, gnomAD 0.03%). This variant has not been reported in the literature in individuals affected with NFKB1-related conditions. ClinVar contains an entry for this variant (Variation ID: 1356120). An algorithm developed to predict the effect of missense changes on protein structure and function (PolyPhen-2) suggests that this variant is likely to be tolerated. In summary, the available evidence is currently insufficient to determine the role of this variant in disease. Therefore, it has been classified as a Variant of Uncertain Significance.

Blueprint Genetics
Classification: Likely benign. Last evaluated: 2024-09-20. Review status: criteria provided, single submitter. Criteria: ACMG Guidelines, 2015. Collection method: clinical testing. Allele origin: germline.

NM_003998.4(NFKB1):c.1424C>G (p.Ala475Gly)

Gene: NFKB1 (nuclear factor kappa B subunit 1; plus strand). Cytogenetic location: 4q24.
Variant type: single nucleotide variant.
Coding change: c.1424C>G on transcript NM_003998.4 (MANE Select); coding-DNA position 1424, C replaced by G.
Protein change: p.Ala475Gly; replaces alanine 475 with glycine.
Molecular consequence: missense variant.
Genome position (GRCh38, 1-based): chr4:102,596,261, C>G. VCF-style: chr4-102596261-C-G. GRCh37 (hg19) VCF-style: chr4-103517418-C-G.
Other names: c.1421C>G, p.Ala474Gly (NM_001165412.2, NM_001319226.2, NM_001382627.1); c.1424C>G, p.Ala475Gly (NM_001382625.1, NM_001382626.1); c.1382C>G, p.Ala461Gly (NM_001382628.1); short protein forms A475G, A474G, A461G.
Identifiers: ClinVar variation 1356120 (VCV001356120.7), dbSNP rs201777128, ClinGen allele CA3026149.
Genomic context (GRCh38, chr4:102,596,261, plus strand): 5'-CTGTAAACCTCTTTGGGAAAGTTATTGAAACCACAGAGCAAGATCAGGAGCCCAGCGAGG[C>G]CACCGTTGGGAATGGTGAGGTCACTCTAACGTATGCAACAGGAACAAAAGAAGAGAGTGC-3'
Protein context (NP_003989.2, residues 465-485): TTEQDQEPSE[Ala475Gly]TVGNGEVTLT